The following is an entry in ClinVar:

ClinVar aggregate classification (germline): Uncertain significance (1 of 4 stars; one submission).

Conditions:
Generalized epilepsy with febrile seizures plus, type 7 (GEFSP7). Also called: GEFS+, TYPE 7. Identifiers: Orphanet 36387, MedGen C2751778, MONDO:0013470, OMIM 613863.
Neuropathy, hereditary sensory and autonomic, type 2A (HSAN2A). Also called: ACROOSTEOLYSIS, GIACCAI TYPE; ACROOSTEOLYSIS, NEUROGENIC; WNK1-Related HSAN2 (HSAN2A); HSAN IIA; MORVAN DISEASE; NEUROPATHY, CONGENITAL SENSORY. Identifiers: Orphanet 970, MedGen C2752089, MONDO:0024309, OMIM 201300.

Submission:

Labcorp Genetics (formerly Invitae), Labcorp
Classification: Uncertain significance for Neuropathy, hereditary sensory and autonomic, type 2A; Generalized epilepsy with febrile seizures plus, type 7. Last evaluated: 2023-04-14. Review status: criteria provided, single submitter. Criteria: Invitae Variant Classification Sherloc (09022015). Collection method: clinical testing. Allele origin: germline.
Comment: This variant is not present in population databases (gnomAD no frequency). In summary, the available evidence is currently insufficient to determine the role of this variant in disease. Therefore, it has been classified as a Variant of Uncertain Significance. Advanced modeling of protein sequence and biophysical properties (such as structural, functional, and spatial information, amino acid conservation, physicochemical variation, residue mobility, and thermodynamic stability) has been performed at Invitae for this missense variant, however the output from this modeling did not meet the statistical confidence thresholds required to predict the impact of this variant on SCN9A protein function. ClinVar contains an entry for this variant (Variation ID: 1717791). This variant has not been reported in the literature in individuals affected with SCN9A-related conditions. This sequence change replaces serine, which is neutral and polar, with phenylalanine, which is neutral and non-polar, at codon 489 of the SCN9A protein (p.Ser489Phe).

NM_001365536.1(SCN9A):c.1466C>T (p.Ser489Phe)

Genes: SCN9A (sodium voltage-gated channel alpha subunit 9; minus strand), SCN1A-AS1 (SCN1A and SCN9A antisense RNA 1; plus strand). Cytogenetic location: 2q24.3.
Variant type: single nucleotide variant.
Coding change: c.1466C>T on transcript NM_001365536.1 (MANE Select); coding-DNA position 1466, C replaced by T.
Protein change: p.Ser489Phe; replaces serine 489 with phenylalanine.
Molecular consequence: missense variant.
Genome position (GRCh38, 1-based): chr2:166,286,472, G>A on the plus strand (C>T on the coding strand, the complement: SCN9A is on the minus strand). VCF-style: chr2-166286472-G-A. GRCh37 (hg19) VCF-style: chr2-167142982-G-A.
Other names: c.1466C>T, p.Ser489Phe (NM_002977.4); short protein forms S489F.
Identifiers: ClinVar variation 1717791 (VCV001717791.6), dbSNP rs2468040426, ClinGen allele CA349084677.